The following is an entry in ClinVar:

ClinVar aggregate classification (germline): Likely pathogenic (1 of 4 stars; one submission).

Conditions:
Hereditary pheochromocytoma and paraganglioma. Also called: Hereditary paragangliomas and pheochromocytomas; Hereditary Paraganglioma-Pheochromocytoma Syndromes; Hereditary pheochromocytoma-paraganglioma. Identifiers: Orphanet 29072, MedGen C4274332, MONDO:0017366.

Submission:

Department of Clinical Genetics, Copenhagen University Hospital, Rigshospitalet
Classification: Likely pathogenic for Hereditary pheochromocytoma and paraganglioma. Last evaluated: 2025-01-24. Review status: criteria provided, single submitter. Criteria: ACMG Guidelines, 2015. Collection method: clinical testing. Allele origin: germline.
Comment: The following ACMG criteria have been used in classification: PM2_SUP; PVS1

Literature cited by the submitters: PubMed 27279923.

NM_003001.5(SDHC):c.191_207del (p.Pro64fs)

Gene: SDHC (succinate dehydrogenase complex subunit C; plus strand). Cytogenetic location: 1q23.3.
Variant type: Deletion.
Coding change: c.191_207del on transcript NM_003001.5 (MANE Select); coding-DNA positions 191 to 207, 17 bases deleted (CCATGGCGATGTCCATC).
Protein change: p.Pro64fs; shifts the reading frame from proline 64.
Molecular consequence: frameshift variant. On other transcripts: non-coding transcript variant (1).
Genome position (GRCh38, 1-based): chr1:161,340,605-161,340,621, CCATGGCGATGTCCATC deleted; deleting any 17 consecutive bases within chr1:161,340,603-161,340,621 gives the same sequence; the c. name uses the placement nearest the transcript's 3' end. VCF-style (leftmost placement, unchanged base first): chr1-161340602-TTCCCATGGCGATGTCCA-T. GRCh37 (hg19) VCF-style: chr1-161310392-TTCCCATGGCGATGTCCA-T.
Other names: c.191_207del, p.Pro64fs (NM_001035511.3); c.89_105del, p.Pro30fs (NM_001035512.3, NM_001278172.3, NM_001407118.1); c.32_48del, p.Pro11fs (NM_001035513.3); c.311_327del, p.Pro104fs (NM_001407115.1); c.134_150del, p.Pro45fs (NM_001407116.1, NM_001407117.1, NM_001407121.1); c.80_96del, p.Pro27fs (NM_001407119.1, NM_001407120.1); short protein forms P104fs, P11fs, P27fs, P30fs, P45fs, P64fs.
Identifiers: ClinVar variation 3602768 (VCV003602768.2).